The following is an entry in ClinVar:

ClinVar aggregate classification (germline): Uncertain significance (1 of 4 stars; one submission).

Allele frequency attached by ClinVar (database versions not stated): TOPMed below 0.00001.

Submission:

Labcorp Genetics (formerly Invitae), Labcorp
Classification: Uncertain significance. Last evaluated: 2023-07-03. Review status: criteria provided, single submitter. Criteria: Invitae Variant Classification Sherloc (09022015). Collection method: clinical testing. Allele origin: germline.
Comment: This sequence change replaces threonine, which is neutral and polar, with isoleucine, which is neutral and non-polar, at codon 2180 of the CDH23 protein (p.Thr2180Ile). This variant is not present in population databases (gnomAD no frequency). This variant has not been reported in the literature in individuals affected with CDH23-related conditions. ClinVar contains an entry for this variant (Variation ID: 841822). Advanced modeling of protein sequence and biophysical properties (such as structural, functional, and spatial information, amino acid conservation, physicochemical variation, residue mobility, and thermodynamic stability) performed at Invitae indicates that this missense variant is not expected to disrupt CDH23 protein function. In summary, the available evidence is currently insufficient to determine the role of this variant in disease. Therefore, it has been classified as a Variant of Uncertain Significance.

NM_022124.6(CDH23):c.6539C>T (p.Thr2180Ile)

Gene: CDH23 (cadherin related 23; plus strand). Cytogenetic location: 10q22.1.
Variant type: single nucleotide variant.
Coding change: c.6539C>T on transcript NM_022124.6 (MANE Select); coding-DNA position 6539, C replaced by T.
Protein change: p.Thr2180Ile; replaces threonine 2180 with isoleucine.
Molecular consequence: missense variant.
Genome position (GRCh38, 1-based): chr10:71,793,467, C>T. VCF-style: chr10-71793467-C-T. GRCh37 (hg19) VCF-style: chr10-73553224-C-T.
Other names: short protein forms T2180I.
Identifiers: ClinVar variation 841822 (VCV000841822.11), dbSNP rs781425553, ClinGen allele CA377155274.
Genomic context (GRCh38, chr10:71,793,467, plus strand): 5'-TCACCATTCTGATCGATGACATCAATGACTCCCGCCCCGAGTTCCTCAACCCCATCCAGA[C>T]AGTGAGCGTGCTGGAGTCGGCTGAGCCAGGCACTGTCATTGCCAATATCACGGCCATTGA-3'
Protein context (NP_071407.4, residues 2170-2190): SRPEFLNPIQ[Thr2180Ile]VSVLESAEPG